The following is an entry in ClinVar:

ClinVar aggregate classification (germline): Uncertain significance (1 of 4 stars; one submission).

gnomAD v4.1: 2 of 1,614,238 alleles (0.00012%); highest among the groups gnomAD compares: Non-Finnish European, 0.00017%; no homozygotes.

Submission:

GeneDx
Classification: Uncertain significance. Last evaluated: 2024-06-12. Review status: criteria provided, single submitter. Criteria: GeneDx Variant Classification Process June 2021. Collection method: clinical testing. Allele origin: germline. Affected: yes.
Comment: Not observed at significant frequency in large population cohorts (gnomAD); In silico analysis indicates that this missense variant does not alter protein structure/function; Has not been previously published as pathogenic or benign to our knowledge

NM_138413.4(HOGA1):c.892T>C (p.Tyr298His)

Gene: HOGA1 (4-hydroxy-2-oxoglutarate aldolase 1; plus strand). Cytogenetic location: 10q24.2.
Variant type: single nucleotide variant.
Coding change: c.892T>C on transcript NM_138413.4 (MANE Select); coding-DNA position 892, T replaced by C.
Protein change: p.Tyr298His; replaces tyrosine 298 with histidine.
Molecular consequence: missense variant.
Genome position (GRCh38, 1-based): chr10:97,611,567, T>C. VCF-style: chr10-97611567-T-C. GRCh37 (hg19) VCF-style: chr10-99371324-T-C.
Other names: c.403T>C, p.Tyr135His (NM_001134670.2); short protein forms Y135H, Y298H.
Identifiers: ClinVar variation 3390465 (VCV003390465.1).